The following is an entry in ClinVar:

NM_022740.5(HIPK2):c.471T>C (p.Asn157=)

Gene: HIPK2 (homeodomain interacting protein kinase 2; minus strand). Cytogenetic location: 7q34.
Variant type: single nucleotide variant.
Coding change: c.471T>C on transcript NM_022740.5 (MANE Select); coding-DNA position 471, T replaced by C.
Protein change: p.Asn157=; no amino-acid change (asparagine 157 retained).
Molecular consequence: synonymous variant.
Genome position (GRCh38, 1-based): chr7:139,716,564, A>G on the plus strand (T>C on the coding strand, the complement: HIPK2 is on the minus strand). VCF-style: chr7-139716564-A-G. GRCh37 (hg19) VCF-style: chr7-139416363-A-G.
Other names: c.471T>C, p.Asn157= (NM_001113239.3).
Identifiers: ClinVar variation 2658016 (VCV002658016.24), dbSNP rs760485579, ClinGen allele CA4511273.
Genomic context (GRCh38, chr7:139,716,564, plus strand): 5'-GCCGCTGTTTTTGGAGGTGGCAGTAGACGTGGTGGCAGTGGCGACAGTGGCCCCGCTTGC[A>G]TTATTCTGAATCATGGGTGGATGCTCCTCGATGATCTGCACGCTGCTTGTGTTCTCGATC-3'
Protein context (NP_073577.3, residues 147-167): IEEHPPMIQN[Asn157=]ASGATVATAT

ClinVar aggregate classification (germline): Likely benign (1 of 4 stars; one submission).

Allele frequency attached by ClinVar (database versions not stated): gnomAD exomes below 0.00001; TOPMed below 0.00001; ExAC 0.00001.
gnomAD v4.1: 7 of 1,613,956 alleles (0.00043%); highest among the groups gnomAD compares: Non-Finnish European, 0.00051%; no homozygotes.

Submission:

CeGaT Center for Human Genetics Tuebingen
Classification: Likely benign. Last evaluated: 2022-05-01. Review status: criteria provided, single submitter. Criteria: CeGaT Center For Human Genetics Tuebingen Variant Classification Criteria Version 2. Collection method: clinical testing. Allele origin: germline. Affected: yes. Observed: 1 variant allele.
Comment: HIPK2: BP4, BP7